The following is an entry in ClinVar:

NM_006379.5(SEMA3C):c.1454C>T (p.Pro485Leu)

Gene: SEMA3C (semaphorin 3C; minus strand). Cytogenetic location: 7q21.11.
Variant type: single nucleotide variant.
Coding change: c.1454C>T on transcript NM_006379.5 (MANE Select); coding-DNA position 1454, C replaced by T.
Protein change: p.Pro485Leu; replaces proline 485 with leucine.
Molecular consequence: missense variant.
Genome position (GRCh38, 1-based): chr7:80,761,647, G>A on the plus strand (C>T on the coding strand, the complement: SEMA3C is on the minus strand). VCF-style: chr7-80761647-G-A. GRCh37 (hg19) VCF-style: chr7-80390963-G-A.
Other names: c.1508C>T, p.Pro503Leu (NM_001350120.2); c.1280C>T, p.Pro427Leu (NM_001350121.2); short protein forms P427L, P485L, P503L.
Identifiers: ClinVar variation 4978403 (VCV004978403.1).

ClinVar aggregate classification (germline): Uncertain significance (1 of 4 stars; one submission).

Conditions:
SEMA3C-related disorder. Also called: SEMA3C-related condition.

gnomAD v4.1: 5 of 1,338,556 alleles (0.00037%); highest among the groups gnomAD compares: African/African-American, 0.006%; no homozygotes.

Submission:

PreventionGenetics, part of Exact Sciences
Classification: Uncertain significance for SEMA3C-related condition. Last evaluated: 2026-04-03. Review status: criteria provided, single submitter. Criteria: ACMG Guidelines, 2015. Collection method: clinical testing. Allele origin: germline.
Comment: The SEMA3C c.1508C>T variant is predicted to result in the amino acid substitution p.Pro503Leu. To our knowledge, this variant has not been reported in the literature. This variant is reported in 0.010% of alleles in individuals of African descent in gnomAD. At this time, the clinical significance of this variant is uncertain due to the absence of conclusive functional and genetic evidence.